The following is an entry in ClinVar:

ClinVar aggregate classification (germline): Conflicting classifications of pathogenicity. Review status: criteria provided, conflicting classifications (1 of 4 stars). 3 submissions from 3 submitters: Uncertain significance (2); Likely benign (1). Last evaluated 2025-09-24.

Conditions:
Hereditary cancer-predisposing syndrome. Also called: Neoplastic Syndromes, Hereditary; Hereditary Cancer Syndrome; Tumor predisposition; Hereditary neoplastic syndrome. Identifiers: Orphanet 140162, MedGen C0027672, MeSH D009386, MONDO:0015356.
Fanconi anemia complementation group O. Also called: RAD51C-Related Fanconi Anemia. Identifiers: Orphanet 84, MedGen C3150653, MONDO:0013248, OMIM 613390.

Allele frequency attached by ClinVar (database versions not stated): gnomAD exomes below 0.00001; TOPMed below 0.00001.
gnomAD v4.1: 1 of 1,611,500 alleles (0.000062%); highest among the groups gnomAD compares: Non-Finnish European, 0.000085%; no homozygotes.

Submissions (3):

Ambry Genetics
Classification: Likely benign for Hereditary cancer-predisposing syndrome. Last evaluated: 2025-09-24. Review status: criteria provided, single submitter. Criteria: Ambry Variant Classification Scheme 2023. Collection method: clinical testing. Allele origin: germline.

Color Diagnostics, LLC DBA Color Health
Classification: Uncertain significance for Hereditary cancer-predisposing syndrome. Last evaluated: 2023-12-05. Review status: criteria provided, single submitter. Criteria: ACMG Guidelines, 2015. Collection method: clinical testing. Allele origin: germline.
Comment: This missense variant replaces leucine with proline at codon 255 of the RAD51C protein. Computational prediction suggests that this variant may not impact protein structure and function (internally defined REVEL score threshold <= 0.5, PMID: 27666373). To our knowledge, functional studies have not been reported for this variant. This variant has not been reported in individuals affected with RAD51C-related disorders in the literature. This variant has not been identified in the general population by the Genome Aggregation Database (gnomAD). The available evidence is insufficient to determine the role of this variant in disease conclusively. Therefore, this variant is classified as a Variant of Uncertain Significance.

Labcorp Genetics (formerly Invitae), Labcorp
Classification: Uncertain significance for Fanconi anemia complementation group O. Last evaluated: 2018-11-21. Review status: criteria provided, single submitter. Criteria: Invitae Variant Classification Sherloc (09022015). Collection method: clinical testing. Allele origin: germline.
Comment: In summary, the available evidence is currently insufficient to determine the role of this variant in disease. Therefore, it has been classified as a Variant of Uncertain Significance. Algorithms developed to predict the effect of missense changes on protein structure and function (SIFT, PolyPhen-2, Align-GVGD) all suggest that this variant is likely to be tolerated, but these predictions have not been confirmed by published functional studies and their clinical significance is uncertain. This variant has not been reported in the literature in individuals with RAD51C-related disease. This variant is not present in population databases (ExAC no frequency). This sequence change replaces leucine with proline at codon 255 of the RAD51C protein (p.Leu255Pro). The leucine residue is highly conserved and there is a moderate physicochemical difference between leucine and proline.

NM_058216.3(RAD51C):c.764T>C (p.Leu255Pro)

Gene: RAD51C (RAD51 paralog C; plus strand). Cytogenetic location: 17q22.
Variant type: single nucleotide variant.
Coding change: c.764T>C on transcript NM_058216.3 (MANE Select); coding-DNA position 764, T replaced by C.
Protein change: p.Leu255Pro; replaces leucine 255 with proline.
Molecular consequence: missense variant. On other transcripts: non-coding transcript variant (1).
Genome position (GRCh38, 1-based): chr17:58,709,917, T>C. VCF-style: chr17-58709917-T-C. GRCh37 (hg19) VCF-style: chr17-56787278-T-C.
Other names: short protein forms L255P.
Identifiers: ClinVar variation 581282 (VCV000581282.17), dbSNP rs1567799667, ClinGen allele CA400353724.